The following is an entry in ClinVar:

ClinVar aggregate classification (germline): Conflicting classifications of pathogenicity. Review status: criteria provided, conflicting classifications (1 of 4 stars). 3 submissions from 3 submitters: Uncertain significance (1); Likely benign (2). Last evaluated 2025-09-24.

Allele frequency attached by ClinVar (database versions not stated): TOPMed 0.00049; 1000 Genomes Project 30x 0.00141; ExAC 0.00153; 1000 Genomes Project 0.00160.
gnomAD v4.1: 290 of 1,535,156 alleles (0.019%); highest among the groups gnomAD compares: South Asian, 0.24%; 2 homozygotes.

Submissions (3):

Labcorp Genetics (formerly Invitae), Labcorp
Classification: Likely benign. Last evaluated: 2025-09-24. Review status: criteria provided, single submitter. Criteria: Invitae Variant Classification Sherloc (09022015). Collection method: clinical testing. Allele origin: germline.

GeneDx
Classification: Uncertain significance. Last evaluated: 2021-09-14. Review status: criteria provided, single submitter. Criteria: GeneDx Variant Classification Process June 2021. Collection method: clinical testing. Allele origin: germline. Affected: yes.
Comment: In silico analysis, which includes protein predictors and evolutionary conservation, supports a deleterious effect; Has not been previously published as pathogenic or benign to our knowledge

Laboratory for Molecular Medicine, Mass General Brigham Personalized Medicine
Classification: Likely benign. Last evaluated: 2017-06-22. Review status: criteria provided, single submitter. Criteria: LMM Criteria. Collection method: clinical testing. Allele origin: germline. Observed: 4 variant alleles.
Comment: p.Arg221Cys in exon 6 of ILDR1: This variant is not expected to have clinical si gnificance because it has been identified in 0.3% (65/22550) of South Asian chro mosomes by the Genome Aggregation Database (gnomAD .org; dbSNP rs182963279).

NM_001199799.2(ILDR1):c.661C>T (p.Arg221Cys)

Gene: ILDR1 (immunoglobulin like domain containing receptor 1; minus strand). Cytogenetic location: 3q13.33.
Variant type: single nucleotide variant.
Coding change: c.661C>T on transcript NM_001199799.2 (MANE Select); coding-DNA position 661, C replaced by T.
Protein change: p.Arg221Cys; replaces arginine 221 with cysteine.
Molecular consequence: missense variant. On other transcripts: intron variant (1).
Genome position (GRCh38, 1-based): chr3:121,994,299, G>A on the plus strand (C>T on the coding strand, the complement: ILDR1 is on the minus strand). VCF-style: chr3-121994299-G-A. GRCh37 (hg19) VCF-style: chr3-121713146-G-A.
Other names: c.394C>T, p.Arg132Cys (NM_001199800.2); c.647-329C>T (NM_175924.4); short protein forms R221C, R132C.
Identifiers: ClinVar variation 505909 (VCV000505909.9), dbSNP rs182963279, ClinGen allele CA2568862.